The following is an entry in ClinVar:

ClinVar aggregate classification (germline): Uncertain significance (1 of 4 stars; one submission).

Conditions:
Meckel syndrome, type 11 (MKS11). Identifiers: Orphanet 564, MedGen C3809352, MONDO:0014164, OMIM 615397.
Joubert syndrome 20 (JBTS20). Identifiers: Orphanet 475, MedGen C3554235, MONDO:0013994, OMIM 614970.

Allele frequency attached by ClinVar (database versions not stated): gnomAD exomes below 0.00001.
gnomAD v4.1: 1 of 1,566,752 alleles (0.000064%); highest among the groups gnomAD compares: South Asian, 0.0012%; no homozygotes.

Submission:

Labcorp Genetics (formerly Invitae), Labcorp
Classification: Uncertain significance for Joubert syndrome 20; Meckel syndrome, type 11. Last evaluated: 2022-03-11. Review status: criteria provided, single submitter. Criteria: Invitae Variant Classification Sherloc (09022015). Collection method: clinical testing. Allele origin: germline.
Comment: This variant is not present in population databases (gnomAD no frequency). This variant has not been reported in the literature in individuals affected with TMEM231-related conditions. Algorithms developed to predict the effect of missense changes on protein structure and function are either unavailable or do not agree on the potential impact of this missense change (SIFT: "Deleterious"; PolyPhen-2: "Not Available"; Align-GVGD: "Class C0"). In summary, the available evidence is currently insufficient to determine the role of this variant in disease. Therefore, it has been classified as a Variant of Uncertain Significance. This sequence change replaces threonine, which is neutral and polar, with proline, which is neutral and non-polar, at codon 67 of the TMEM231 protein (p.Thr67Pro).

NM_001077418.3(TMEM231):c.137A>C (p.His46Pro)

Gene: TMEM231 (transmembrane protein 231; minus strand). Cytogenetic location: 16q23.1.
Variant type: single nucleotide variant.
Coding change: c.137A>C on transcript NM_001077418.3 (MANE Select); coding-DNA position 137, A replaced by C.
Protein change: p.His46Pro; replaces histidine 46 with proline.
Molecular consequence: missense variant. On other transcripts: non-coding transcript variant (1).
Genome position (GRCh38, 1-based): chr16:75,556,073, T>G on the plus strand (A>C on the coding strand, the complement: TMEM231 is on the minus strand). VCF-style: chr16-75556073-T-G. GRCh37 (hg19) VCF-style: chr16-75589971-T-G.
Other names: c.199A>C, p.Thr67Pro (NM_001077416.2); short protein forms T67P, H46P.
Identifiers: ClinVar variation 2108766 (VCV002108766.4), dbSNP rs2507348143, ClinGen allele CA396809997.